The following is an entry in ClinVar:

NM_000218.3(KCNQ1):c.1322C>T (p.Pro441Leu)

Gene: KCNQ1 (potassium voltage-gated channel subfamily Q member 1; plus strand). Cytogenetic location: 11p15.5.
Variant type: single nucleotide variant.
Coding change: c.1322C>T on transcript NM_000218.3 (MANE Select); coding-DNA position 1322, C replaced by T.
Protein change: p.Pro441Leu; replaces proline 441 with leucine.
Molecular consequence: missense variant.
Genome position (GRCh38, 1-based): chr11:2,588,783, C>T. VCF-style: chr11-2588783-C-T. GRCh37 (hg19) VCF-style: chr11-2610013-C-T.
Other names: c.1226C>T, p.Pro409Leu (NM_001406836.1); c.1052C>T, p.Pro351Leu (NM_001406837.1); c.782C>T, p.Pro261Leu (NM_001406838.1); c.941C>T, p.Pro314Leu (NM_181798.2); short protein forms P314L, P441L, P261L, P409L, P351L.
Identifiers: ClinVar variation 977165 (VCV000977165.3), dbSNP rs1848630761, ClinGen allele CA379135051.

ClinVar aggregate classification (germline): Uncertain significance (0 of 4 stars; one submission).

Conditions:
Long QT syndrome (LQTS). Identifiers: MedGen C0023976, MeSH D008133, MONDO:0002442. Disease mechanism: loss of function. Inheritance: Various modes of inheritance.

Allele frequency attached by ClinVar (database versions not stated): TOPMed below 0.00001; gnomAD 0.00001.
gnomAD v4.1: 1 of 1,613,378 alleles (0.000062%); highest among the groups gnomAD compares: South Asian, 0.0011%; no homozygotes.

Submission:

Agnes Ginges Centre for Molecular Cardiology, Centenary Institute
Classification: Uncertain significance for Long QT syndrome. Last evaluated: 2019-04-02. Review status: no assertion criteria provided. Collection method: research. Allele origin: germline. Inheritance: Autosomal dominant inheritance. Affected: yes.
Comment: The KCNQ1 Pro441Leu is a novel variant. It is absent in the Genome Aggregation Database. Interestingly, a different rare variant at this position (Pro441Ser) has been reported previously (Kapa S, et al., 2009, ClinVar ID:67024). Computational tools SIFT, MutationTaster, and PolyPhen-2 predict this variant to have a deleterious effect. Based on the information provided, we therefore classify KCNQ1 Pro441Leu as a variant of 'uncertain significance'.

Literature cited by the submitters: PubMed 19841300.